The following is an entry in ClinVar:

NM_014000.3(VCL):c.103A>G (p.Lys35Glu)

Genes: VCL (vinculin; plus strand), LOC130004109 (ATAC-STARR-seq lymphoblastoid active region 3587; plus strand). Cytogenetic location: 10q22.2.
Variant type: single nucleotide variant.
Coding change: c.103A>G on transcript NM_014000.3 (MANE Select); coding-DNA position 103, A replaced by G.
Protein change: p.Lys35Glu; replaces lysine 35 with glutamic acid.
Molecular consequence: missense variant.
Genome position (GRCh38, 1-based): chr10:73,998,310, A>G. VCF-style: chr10-73998310-A-G. GRCh37 (hg19) VCF-style: chr10-75758068-A-G.
Other names: c.103A>G (NM_014000.2); c.103A>G, p.Lys35Glu (NM_003373.4); short protein forms K35E.
Identifiers: ClinVar variation 1499651 (VCV001499651.7), dbSNP rs139329923, ClinGen allele CA209683575.

ClinVar aggregate classification (germline): Uncertain significance. Review status: criteria provided, multiple submitters, no conflicts (2 of 4 stars). 2 submissions from 2 submitters: Uncertain significance (2). Last evaluated 2025-06-20.

Conditions:
Cardiovascular phenotype. Identifiers: MedGen CN230736.
Dilated cardiomyopathy 1W (CMD1W). Identifiers: Orphanet 154, MedGen C1969639, MONDO:0012667, OMIM 611407.

Allele frequency attached by ClinVar (database versions not stated): gnomAD exomes below 0.00001 and 0.00001; TOPMed below 0.00001; gnomAD 0.00001; ESP Exome Variant Server 0.00015.
gnomAD v4.1: 3 of 1,590,488 alleles (0.00019%); highest among the groups gnomAD compares: African/African-American, 0.0027%; no homozygotes.

Submissions (2):

Ambry Genetics
Classification: Uncertain significance for Cardiovascular phenotype. Last evaluated: 2025-06-20. Review status: criteria provided, single submitter. Criteria: Ambry Variant Classification Scheme 2023. Collection method: clinical testing. Allele origin: germline.
Comment: The p.K35E variant (also known as c.103A>G), located in coding exon 1 of the VCL gene, results from an A to G substitution at nucleotide position 103. The lysine at codon 35 is replaced by glutamic acid, an amino acid with similar properties. This amino acid position is conserved. In addition, the in silico prediction for this alteration is inconclusive. Based on the available evidence, the clinical significance of this variant remains unclear.

Labcorp Genetics (formerly Invitae), Labcorp
Classification: Uncertain significance for Dilated cardiomyopathy 1W. Last evaluated: 2025-05-04. Review status: criteria provided, single submitter. Criteria: Invitae Variant Classification Sherloc (09022015). Collection method: clinical testing. Allele origin: germline.
Comment: This sequence change replaces lysine, which is basic and polar, with glutamic acid, which is acidic and polar, at codon 35 of the VCL protein (p.Lys35Glu). This variant is present in population databases (rs139329923, gnomAD 0.009%). This variant has not been reported in the literature in individuals affected with VCL-related conditions. ClinVar contains an entry for this variant (Variation ID: 1499651). An algorithm developed to predict the effect of missense changes on protein structure and function (PolyPhen-2) suggests that this variant is likely to be disruptive. In summary, the available evidence is currently insufficient to determine the role of this variant in disease. Therefore, it has been classified as a Variant of Uncertain Significance.